The following is an entry in ClinVar:

ClinVar aggregate classification (germline): Likely pathogenic (1 of 4 stars; one submission).

Submission:

GeneDx
Classification: Likely pathogenic. Last evaluated: 2023-03-28. Review status: criteria provided, single submitter. Criteria: GeneDx Variant Classification Process June 2021. Collection method: clinical testing. Allele origin: germline. Affected: yes.
Comment: Canonical splice site variant expected to result in aberrant splicing, although in the absence of functional evidence the actual effect of this sequence change is unknown.; Not observed at significant frequency in large population cohorts (gnomAD); Has not been previously published as pathogenic or benign to our knowledge; This variant is associated with the following publications: (PMID: 29493581)

NM_002834.5(PTPN11):c.138-2A>G

Gene: PTPN11 (protein tyrosine phosphatase non-receptor type 11; plus strand). Cytogenetic location: 12q24.13.
Variant type: single nucleotide variant.
Coding change: c.138-2A>G on transcript NM_002834.5 (MANE Select); the canonical splice acceptor site of the intron before coding-DNA position 138, A replaced by G.
Molecular consequence: splice acceptor variant. On other transcripts: intron variant (1).
Genome position (GRCh38, 1-based): chr12:112,450,316, A>G. VCF-style: chr12-112450316-A-G. GRCh37 (hg19) VCF-style: chr12-112888120-A-G.
Other names: c.138-2A>G (NM_001330437.2, NM_080601.3); c.138-5A>G (NM_001374625.1).
Identifiers: ClinVar variation 2581816 (VCV002581816.1), dbSNP rs2135861836, ClinGen allele CA386777335.